The following is an entry in ClinVar:

ClinVar aggregate classification (germline): Likely pathogenic (0 of 4 stars; one submission).

Allele frequency attached by ClinVar (database versions not stated): gnomAD exomes below 0.00001.
gnomAD v4.1: 2 of 1,613,416 alleles (0.00012%); highest among the groups gnomAD compares: South Asian, 0.0022%; no homozygotes.

Submission:

Institute of Anatomy and Cell Biology, Medical Faculty, University Of Bonn
Classification: Likely pathogenic. Last evaluated: 2023-08-16. Review status: no assertion criteria provided. Collection method: clinical testing. Allele origin: inherited. Affected: yes.
Comment: This variant was observed in homozygosity

NM_001407.3(CELSR3):c.7999G>A (p.Gly2667Ser)

Gene: CELSR3 (cadherin EGF LAG seven-pass G-type receptor 3; minus strand). Cytogenetic location: 3p21.31.
Variant type: single nucleotide variant.
Coding change: c.7999G>A on transcript NM_001407.3 (MANE Select); coding-DNA position 7999, G replaced by A.
Protein change: p.Gly2667Ser; replaces glycine 2667 with serine.
Molecular consequence: missense variant.
Genome position (GRCh38, 1-based): chr3:48,644,802, C>T on the plus strand (G>A on the coding strand, the complement: CELSR3 is on the minus strand). VCF-style: chr3-48644802-C-T. GRCh37 (hg19) VCF-style: chr3-48682235-C-T.
Other names: short protein forms G2667S.
Identifiers: ClinVar variation 2672060 (VCV002672060.1), dbSNP rs926413112, ClinGen allele CA352717713.